The following is an entry in ClinVar:

NM_002529.4(NTRK1):c.445C>G (p.Pro149Ala)

Gene: NTRK1 (neurotrophic receptor tyrosine kinase 1; plus strand). Cytogenetic location: 1q23.1.
Variant type: single nucleotide variant.
Coding change: c.445C>G on transcript NM_002529.4 (MANE Select); coding-DNA position 445, C replaced by G.
Protein change: p.Pro149Ala; replaces proline 149 with alanine.
Molecular consequence: missense variant.
Genome position (GRCh38, 1-based): chr1:156,868,120, C>G. VCF-style: chr1-156868120-C-G. GRCh37 (hg19) VCF-style: chr1-156837912-C-G.
Other names: c.355C>G, p.Pro119Ala (NM_001007792.1); c.445C>G, p.Pro149Ala (NM_001012331.2); short protein forms P119A, P149A.
Identifiers: ClinVar variation 1012010 (VCV001012010.9), dbSNP rs773828967, ClinGen allele CA1168984.

ClinVar aggregate classification (germline): Uncertain significance. Review status: criteria provided, single submitter (1 of 4 stars). 2 submissions from 2 submitters: Uncertain significance (1). 1 of the submissions does not count toward it. Last evaluated 2021-08-26.

Conditions:
Hereditary insensitivity to pain with anhidrosis (CIPA). Also called: INSENSITIVITY TO PAIN, CONGENITAL, WITH ANHIDROSIS; FAMILIAL DYSAUTONOMIA, TYPE II; NEUROPATHY, CONGENITAL SENSORY, WITH ANHIDROSIS; hereditary sensory and autonomic neuropathy type 4; NTRK1 Congenital Insensitivity to Pain with Anhidrosis; HSAN Type IV. Identifiers: Orphanet 642, MedGen C0020074, MONDO:0009746, OMIM 256800.

Allele frequency attached by ClinVar (database versions not stated): gnomAD exomes below 0.00001; gnomAD 0.00001.
gnomAD v4.1: 4 of 1,613,988 alleles (0.00025%); highest among the groups gnomAD compares: South Asian, 0.0022%; no homozygotes.

Submissions (2):

Labcorp Genetics (formerly Invitae), Labcorp
Classification: Uncertain significance for Hereditary insensitivity to pain with anhidrosis. Last evaluated: 2021-08-26. Review status: criteria provided, single submitter. Criteria: Invitae Variant Classification Sherloc (09022015). Collection method: clinical testing. Allele origin: germline.
Comment: This sequence change replaces proline with alanine at codon 149 of the NTRK1 protein (p.Pro149Ala). The proline residue is highly conserved and there is a small physicochemical difference between proline and alanine. This variant is present in population databases (rs773828967, ExAC 0.006%). This variant has not been reported in the literature in individuals affected with NTRK1-related conditions. Algorithms developed to predict the effect of missense changes on protein structure and function (SIFT, PolyPhen-2, Align-GVGD) all suggest that this variant is likely to be tolerated. In summary, the available evidence is currently insufficient to determine the role of this variant in disease. Therefore, it has been classified as a Variant of Uncertain Significance.

Natera, Inc.
Classification: Uncertain significance for Hereditary insensitivity to pain with anhidrosis. Last evaluated: 2020-03-04. Review status: no assertion criteria provided. Collection method: clinical testing. Allele origin: germline. Not counted in ClinVar's aggregate classification.